The following is an entry in ClinVar:

NM_001267550.2(TTN):c.87813C>T (p.Gly29271=)

Genes: TTN (titin; minus strand), TTN-AS1 (TTN antisense RNA 1; plus strand). Cytogenetic location: 2q31.2.
Variant type: single nucleotide variant.
Coding change: c.87813C>T on transcript NM_001267550.2 (MANE Select); coding-DNA position 87813, C replaced by T.
Protein change: p.Gly29271=; no amino-acid change (glycine 29271 retained).
Molecular consequence: synonymous variant.
Genome position (GRCh38, 1-based): chr2:178,557,449, G>A on the plus strand (C>T on the coding strand, the complement: TTN is on the minus strand). VCF-style: chr2-178557449-G-A. GRCh37 (hg19) VCF-style: chr2-179422176-G-A.
Other names: c.82890C>T, p.Gly27630= (NM_001256850.1); c.60618C>T, p.Gly20206= (NM_003319.4); c.80109C>T, p.Gly26703= (NM_133378.4); c.60993C>T, p.Gly20331= (NM_133432.3); c.61194C>T, p.Gly20398= (NM_133437.4).
Identifiers: ClinVar variation 391639 (VCV000391639.12), dbSNP rs751701021, ClinGen allele CA1988257.
Genomic context (GRCh38, chr2:178,557,449, plus strand): 5'-GACCAGTTTGTTGGCTTTTTGCCATAAAATACTGTTTCTGTCTTTCATTTCCAGGTGATA[G>A]CCTACGACTGCACTGCCTCCATTTGACACTGGTTCATGCCAGCCCACAGTGATGCTTTCT-3'
Protein context (NP_001254479.2, residues 29261-29281): PVSNGGSAVV[Gly29271=]YHLEMKDRNS

ClinVar aggregate classification (germline): Likely benign. Review status: criteria provided, multiple submitters, no conflicts (2 of 4 stars). 3 submissions from 3 submitters: Likely benign (3). Last evaluated 2025-12-02.

Conditions:
Autosomal recessive limb-girdle muscular dystrophy type 2J (LGMDR10). Also called: Limb-girdle muscular dystrophy, type 2J; MUSCULAR DYSTROPHY, LIMB-GIRDLE, AUTOSOMAL RECESSIVE 10. Identifiers: Orphanet 140922, MedGen C1837342, MONDO:0012127, OMIM 608807.
Dilated cardiomyopathy 1G (CMD1G). Identifiers: Orphanet 154, MedGen C1858763, MONDO:0011400, OMIM 604145.
Cardiovascular phenotype. Identifiers: MedGen CN230736.

Allele frequency attached by ClinVar (database versions not stated): gnomAD exomes below 0.00001; ExAC 0.00001; TOPMed 0.00001.
gnomAD v4.1: 4 of 1,613,810 alleles (0.00025%); highest among the groups gnomAD compares: African/African-American, 0.0013%; no homozygotes.

Submissions (3):

Labcorp Genetics (formerly Invitae), Labcorp
Classification: Likely benign for Dilated cardiomyopathy 1G; Autosomal recessive limb-girdle muscular dystrophy type 2J. Last evaluated: 2025-12-02. Review status: criteria provided, single submitter. Criteria: Invitae Variant Classification Sherloc (09022015). Collection method: clinical testing. Allele origin: germline.

Ambry Genetics
Classification: Likely benign for Cardiovascular phenotype. Last evaluated: 2019-09-12. Review status: criteria provided, single submitter. Criteria: Ambry Variant Classification Scheme 2023. Collection method: clinical testing. Allele origin: germline.

GeneDx
Classification: Likely benign. Last evaluated: 2016-12-12. Review status: criteria provided, single submitter. Criteria: GeneDx Variant Classification (06012015). Collection method: clinical testing. Allele origin: germline. Affected: yes.
Comment: This variant is considered likely benign or benign based on one or more of the following criteria: it is a conservative change, it occurs at a poorly conserved position in the protein, it is predicted to be benign by multiple in silico algorithms, and/or has population frequency not consistent with disease.